The following is an entry in ClinVar:

ClinVar aggregate classification (germline): Uncertain significance. Review status: criteria provided, multiple submitters, no conflicts (2 of 4 stars). 3 submissions from 3 submitters: Uncertain significance (2). 1 of the submissions does not count toward it. Last evaluated 2022-09-27.

Conditions:
Retinitis pigmentosa 71 (RP71). Identifiers: Orphanet 791, MedGen C4225342, MONDO:0014618, OMIM 616394.
Short-rib thoracic dysplasia 10 with or without polydactyly (SRTD10). Identifiers: Orphanet 474, MedGen C3810175, MONDO:0014284, OMIM 615630.
IFT172-related disorder. Also called: IFT172-related disorders; IFT172-related condition.

Allele frequency attached by ClinVar (database versions not stated): gnomAD 0.00002 and 0.00003; gnomAD exomes 0.00003 and 0.00006; ExAC 0.00004; TOPMed 0.00004; ESP Exome Variant Server 0.00008.
gnomAD v4.1: 86 of 1,612,472 alleles (0.0053%); highest among the groups gnomAD compares: Non-Finnish European, 0.0068%; no homozygotes.

Submissions (3):

Labcorp Genetics (formerly Invitae), Labcorp
Classification: Uncertain significance for Retinitis pigmentosa 71; Short-rib thoracic dysplasia 10 with or without polydactyly. Last evaluated: 2022-09-27. Review status: criteria provided, single submitter. Criteria: Invitae Variant Classification Sherloc (09022015). Collection method: clinical testing. Allele origin: germline.
Comment: This sequence change replaces isoleucine, which is neutral and non-polar, with threonine, which is neutral and polar, at codon 552 of the IFT172 protein (p.Ile552Thr). This variant is present in population databases (rs369863525, gnomAD 0.006%). This variant has not been reported in the literature in individuals affected with IFT172-related conditions. ClinVar contains an entry for this variant (Variation ID: 1061015). Advanced modeling of protein sequence and biophysical properties (such as structural, functional, and spatial information, amino acid conservation, physicochemical variation, residue mobility, and thermodynamic stability) performed at Invitae indicates that this missense variant is not expected to disrupt IFT172 protein function. In summary, the available evidence is currently insufficient to determine the role of this variant in disease. Therefore, it has been classified as a Variant of Uncertain Significance.

Blueprint Genetics
Classification: Uncertain significance. Last evaluated: 2021-09-07. Review status: criteria provided, single submitter. Criteria: ACMG Guidelines, 2015. Collection method: clinical testing. Allele origin: germline.

PreventionGenetics, part of Exact Sciences
Classification: Uncertain significance for IFT172-related condition. Last evaluated: 2024-02-06. Review status: no assertion criteria provided. Collection method: clinical testing. Allele origin: germline. Not counted in ClinVar's aggregate classification.
Comment: The IFT172 c.1655T>C variant is predicted to result in the amino acid substitution p.Ile552Thr. To our knowledge, this variant has not been reported in the literature. This variant is reported in 0.0054% of alleles in individuals of European (Non-Finnish) descent in gnomAD. At this time, the clinical significance of this variant is uncertain due to the absence of conclusive functional and genetic evidence.

NM_015662.3(IFT172):c.1655T>C (p.Ile552Thr)

Gene: IFT172 (intraflagellar transport 172; minus strand). Cytogenetic location: 2p23.3.
Variant type: single nucleotide variant.
Coding change: c.1655T>C on transcript NM_015662.3 (MANE Select); coding-DNA position 1655, T replaced by C.
Protein change: p.Ile552Thr; replaces isoleucine 552 with threonine.
Molecular consequence: missense variant.
Genome position (GRCh38, 1-based): chr2:27,470,965, A>G on the plus strand (T>C on the coding strand, the complement: IFT172 is on the minus strand). VCF-style: chr2-27470965-A-G. GRCh37 (hg19) VCF-style: chr2-27693832-A-G.
Other names: c.1655T>C (NM_015662.2); short protein forms I552T.
Identifiers: ClinVar variation 1061015 (VCV001061015.6), dbSNP rs369863525, ClinGen allele CA1580577.